The following is an entry in ClinVar:

NM_002591.4(PCK1):c.444G>A (p.Pro148=)

Gene: PCK1 (phosphoenolpyruvate carboxykinase 1; plus strand). Cytogenetic location: 20q13.31.
Variant type: single nucleotide variant.
Coding change: c.444G>A on transcript NM_002591.4 (MANE Select); coding-DNA position 444, G replaced by A.
Protein change: p.Pro148=; no amino-acid change (proline 148 retained).
Molecular consequence: synonymous variant.
Genome position (GRCh38, 1-based): chr20:57,562,733, G>A. VCF-style: chr20-57562733-G-A. GRCh37 (hg19) VCF-style: chr20-56137789-G-A.
Identifiers: ClinVar variation 3029840 (VCV003029840.7), dbSNP rs375595139, ClinGen allele CA9922014.

ClinVar aggregate classification (germline): Likely benign. Review status: criteria provided, multiple submitters, no conflicts (2 of 4 stars). 4 submissions from 4 submitters: Likely benign (3). 1 of the submissions does not count toward it. Last evaluated 2026-06-01.

Conditions:
PCK1-related disorder. Also called: PCK1-related condition.

Allele frequency attached by ClinVar (database versions not stated): ExAC 0.00003; gnomAD exomes 0.00003; ESP Exome Variant Server 0.00008; TOPMed 0.00018; gnomAD 0.00019.
gnomAD v4.1: 75 of 1,613,942 alleles (0.0046%); highest among the groups gnomAD compares: African/African-American, 0.048%; no homozygotes.

Submissions (4):

CeGaT Center for Human Genetics Tuebingen
Classification: Likely benign. Last evaluated: 2026-06-01. Review status: criteria provided, single submitter. Criteria: CeGaT Center For Human Genetics Tuebingen Variant Classification Criteria Version 2. Collection method: clinical testing. Allele origin: germline. Affected: yes. Observed: 1 variant allele.
Comment: PCK1: BP4, BP7

Labcorp Genetics (formerly Invitae), Labcorp
Classification: Likely benign. Last evaluated: 2024-09-11. Review status: criteria provided, single submitter. Criteria: Invitae Variant Classification Sherloc (09022015). Collection method: clinical testing. Allele origin: germline.

Blueprint Genetics
Classification: Likely benign. Last evaluated: 2024-07-12. Review status: criteria provided, single submitter. Criteria: ACMG Guidelines, 2015. Collection method: clinical testing. Allele origin: germline.

PreventionGenetics, part of Exact Sciences
Classification: Likely benign for PCK1-related condition. Last evaluated: 2020-11-25. Review status: no assertion criteria provided. Collection method: clinical testing. Allele origin: germline. Not counted in ClinVar's aggregate classification.
Comment: This variant is classified as likely benign based on ACMG/AMP sequence variant interpretation guidelines (Richards et al. 2015 PMID: 25741868, with internal and published modifications).